The following is an entry in ClinVar:

ClinVar aggregate classification (germline): Uncertain significance (1 of 4 stars; one submission).

gnomAD v4.1: 9 of 1,614,034 alleles (0.00056%); highest among the groups gnomAD compares: Non-Finnish European, 0.00076%; no homozygotes.

Submission:

Labcorp Genetics (formerly Invitae), Labcorp
Classification: Uncertain significance. Last evaluated: 2025-07-29. Review status: criteria provided, single submitter. Criteria: Invitae Variant Classification Sherloc (09022015). Collection method: clinical testing. Allele origin: germline.
Comment: This sequence change replaces serine, which is neutral and polar, with asparagine, which is neutral and polar, at codon 194 of the KANK1 protein (p.Ser194Asn). This variant is present in population databases (rs769410753, gnomAD 0.0009%). This variant has not been reported in the literature in individuals affected with KANK1-related conditions. Invitae Evidence Modeling of protein sequence and biophysical properties (such as structural, functional, and spatial information, amino acid conservation, physicochemical variation, residue mobility, and thermodynamic stability) indicates that this missense variant is not expected to disrupt KANK1 protein function with a negative predictive value of 80%. In summary, the available evidence is currently insufficient to determine the role of this variant in disease. Therefore, it has been classified as a Variant of Uncertain Significance.

NM_015158.5(KANK1):c.581G>A (p.Ser194Asn)

Gene: KANK1 (KN motif and ankyrin repeat domains 1; plus strand). Cytogenetic location: 9p24.3.
Variant type: single nucleotide variant.
Coding change: c.581G>A on transcript NM_015158.5 (MANE Select); coding-DNA position 581, G replaced by A.
Protein change: p.Ser194Asn; replaces serine 194 with asparagine.
Molecular consequence: missense variant. On other transcripts: non-coding transcript variant (1).
Genome position (GRCh38, 1-based): chr9:711,347, G>A. VCF-style: chr9-711347-G-A. GRCh37 (hg19) VCF-style: chr9-711347-G-A.
Other names: c.581G>A, p.Ser194Asn (NM_001256876.3, NM_001256877.3, NM_001354331.2 and 3 more transcripts); c.107G>A, p.Ser36Asn (NM_001354333.2, NM_001354335.2, NM_001354336.2 and 10 more transcripts); short protein forms S36N, S194N.
Identifiers: ClinVar variation 4776606 (VCV004776606.1).